The following is an entry in ClinVar:

NM_007294.4(BRCA1):c.3344A>C (p.Glu1115Ala)

Genes: BRCA1 (BRCA1 DNA repair associated; minus strand), LOC126862571 (BRD4-independent group 4 enhancer GRCh37_chr17:41243136-41244335; plus strand). Cytogenetic location: 17q21.31.
Variant type: single nucleotide variant.
Coding change: c.3344A>C on transcript NM_007294.4 (MANE Select); coding-DNA position 3344, A replaced by C.
Protein change: p.Glu1115Ala; replaces glutamic acid 1115 with alanine.
Molecular consequence: missense variant. On other transcripts: intron variant (137).
Genome position (GRCh38, 1-based): chr17:43,092,187, T>G on the plus strand (A>C on the coding strand, the complement: BRCA1 is on the minus strand). VCF-style: chr17-43092187-T-G. GRCh37 (hg19) VCF-style: chr17-41244204-T-G.
Other names: c.788-1155A>C (NM_007299.4, NM_001407974.1, NM_001407973.1 and 17 more transcripts); c.788-48A>C (NM_001407969.1, NM_001407968.1); c.578-1155A>C (NM_001408492.1, NM_001408513.1, NM_001408481.1 and 9 more transcripts); c.644-1155A>C (NM_001408468.1, NM_001408465.1, NM_001408463.1 and 3 more transcripts); c.524-1155A>C (NM_001408501.1, NM_001408500.1, NM_001408497.1 and 3 more transcripts); c.647-1155A>C (NM_001408455.1, NM_001408466.1, NM_001408452.1 and 11 more transcripts); c.521-1155A>C (NM_001408503.1, NM_001408505.1, NM_001408504.1); c.404-1155A>C (NM_001408511.1); and 41 more; short protein forms E1089A, E1112A, E1114A, E819A, E1027A, E1044A, E1047A, E1074A.
Identifiers: ClinVar variation 5033189 (VCV005033189.1).

ClinVar aggregate classification (germline): Uncertain significance (1 of 4 stars; one submission).

Conditions:
Hereditary cancer-predisposing syndrome. Also called: Neoplastic Syndromes, Hereditary; Tumor predisposition; Hereditary neoplastic syndrome; Hereditary Cancer Syndrome. Identifiers: Orphanet 140162, MedGen C0027672, MeSH D009386, MONDO:0015356.

Submission:

Ambry Genetics
Classification: Uncertain significance for Hereditary cancer-predisposing syndrome. Last evaluated: 2026-07-11. Review status: criteria provided, single submitter. Criteria: Ambry Variant Classification Scheme 2023. Collection method: clinical testing. Allele origin: germline.
Comment: The p.E1115A variant (also known as c.3344A>C), located in coding exon 9 of the BRCA1 gene, results from an A to C substitution at nucleotide position 3344. The glutamic acid at codon 1115 is replaced by alanine, an amino acid with dissimilar properties. This amino acid position is conserved. In addition, this alteration is predicted to be tolerated by in silico analysis. Based on the available evidence, the clinical significance of this variant remains unclear.